The following is an entry in ClinVar:

NM_005035.4(POLRMT):c.787A>G (p.Met263Val)

Gene: POLRMT (RNA polymerase mitochondrial; minus strand). Cytogenetic location: 19p13.3.
Variant type: single nucleotide variant.
Coding change: c.787A>G on transcript NM_005035.4 (MANE Select); coding-DNA position 787, A replaced by G.
Protein change: p.Met263Val; replaces methionine 263 with valine.
Molecular consequence: missense variant. On other transcripts: non-coding transcript variant (1).
Genome position (GRCh38, 1-based): chr19:629,575, T>C on the plus strand (A>G on the coding strand, the complement: POLRMT is on the minus strand). VCF-style: chr19-629575-T-C. GRCh37 (hg19) VCF-style: chr19-629575-T-C.
Other names: c.787A>G, p.Met263Val (NM_001407805.1, NM_001407806.1, NM_001407807.1 and 12 more transcripts); c.463A>G, p.Met155Val (NM_001407831.1, NM_001407833.1, NM_001407834.1 and 2 more transcripts); c.787A>G (NM_005035.3); short protein forms M155V, M263V.
Identifiers: ClinVar variation 3339846 (VCV003339846.2).
Genomic context (GRCh38, chr19:629,575, plus strand): 5'-TGGCCCGGCTCCCGGCTGCACTCACCTGCCGCGCCCAGCCAAGCATCACGGCGTTGTACA[T>C]GTCCAGCGTGAGCAGCTTCCGCTTCTGCCGCTGGCCGTGGTGGACGACCAGCAGGTGGTG-3'
Protein context (NP_005026.3, residues 253-273): RQKRKLLTLD[Met263Val]YNAVMLGWAR

ClinVar aggregate classification (germline): Uncertain significance. Review status: criteria provided, multiple submitters, no conflicts (2 of 4 stars). 2 submissions from 2 submitters: Uncertain significance (2). Last evaluated 2025-09-01.

Submissions (2):

Ambry Genetics
Classification: Uncertain significance. Last evaluated: 2025-09-01. Review status: criteria provided, single submitter. Criteria: Ambry Variant Classification Scheme 2023. Collection method: clinical testing. Allele origin: germline.

Women's Health and Genetics/Laboratory Corporation of America, LabCorp
Classification: Uncertain significance. Last evaluated: 2024-06-28. Review status: criteria provided, single submitter. Criteria: LabCorp Variant Classification Summary - May 2015. Collection method: clinical testing. Allele origin: germline.
Comment: Variant summary: POLRMT c.787A>G (p.Met263Val) results in a conservative amino acid change in the encoded protein sequence. Five of five in-silico tools predict a benign effect of the variant on protein function. The variant allele was found at a frequency of 2.2e-05 in 223216 control chromosomes. The available data on variant occurrences in the general population are insufficient to allow any conclusion about variant significance. To our knowledge, no occurrence of c.787A>G in individuals affected with Combined Oxidative Phosphorylation Deficiency 55 and no experimental evidence demonstrating its impact on protein function have been reported. No submitters have cited clinical-significance assessments for this variant to ClinVar. Based on the evidence outlined above, the variant was classified as uncertain significance.